The following is an entry in ClinVar:

ClinVar aggregate classification (germline): Uncertain significance (1 of 4 stars; one submission).

Submission:

Labcorp Genetics (formerly Invitae), Labcorp
Classification: Uncertain significance. Last evaluated: 2025-09-05. Review status: criteria provided, single submitter. Criteria: Invitae Variant Classification Sherloc (09022015). Collection method: clinical testing. Allele origin: germline.
Comment: This sequence change replaces glutamic acid, which is acidic and polar, with lysine, which is basic and polar, at codon 60 of the SON protein (p.Glu60Lys). This variant is not present in population databases (gnomAD no frequency). This variant has not been reported in the literature in individuals affected with SON-related conditions. An algorithm developed to predict the effect of missense changes on protein structure and function (PolyPhen-2) suggests that this variant is likely to be disruptive. In summary, the available evidence is currently insufficient to determine the role of this variant in disease. Therefore, it has been classified as a Variant of Uncertain Significance.

NM_138927.4(SON):c.178G>A (p.Glu60Lys)

Gene: SON (SON DNA and RNA binding protein; plus strand). Cytogenetic location: 21q22.11.
Variant type: single nucleotide variant.
Coding change: c.178G>A on transcript NM_138927.4 (MANE Select); coding-DNA position 178, G replaced by A.
Protein change: p.Glu60Lys; replaces glutamic acid 60 with lysine.
Molecular consequence: missense variant. On other transcripts: non-coding transcript variant (1).
Genome position (GRCh38, 1-based): chr21:33,546,313, G>A. VCF-style: chr21-33546313-G-A. GRCh37 (hg19) VCF-style: chr21-34918619-G-A.
Other names: c.178G>A, p.Glu60Lys (NM_001291411.2, NM_001291412.3, NM_032195.3); short protein forms E60K.
Identifiers: ClinVar variation 4724369 (VCV004724369.1).